The following is an entry in ClinVar:

ClinVar aggregate classification (germline): Uncertain significance (1 of 4 stars; one submission).

Allele frequency attached by ClinVar (database versions not stated): TOPMed below 0.00001; gnomAD 0.00001; gnomAD exomes 0.00001.

Submission:

Ambry Genetics
Classification: Uncertain significance. Last evaluated: 2023-10-06. Review status: criteria provided, single submitter. Criteria: Ambry Variant Classification Scheme 2023. Collection method: clinical testing. Allele origin: germline.
Comment: The p.D369G variant (also known as c.1106A>G), located in coding exon 3 of the TERF2IP gene, results from an A to G substitution at nucleotide position 1106. The aspartic acid at codon 369 is replaced by glycine, an amino acid with similar properties. This amino acid position is conserved. In addition, this alteration is predicted to be tolerated by in silico analysis. Since supporting evidence is limited at this time, the clinical significance of this alteration remains unclear.

NM_018975.4(TERF2IP):c.1106A>G (p.Asp369Gly)

Gene: TERF2IP (TERF2 interacting protein; plus strand). Cytogenetic location: 16q23.1.
Variant type: single nucleotide variant.
Coding change: c.1106A>G on transcript NM_018975.4 (MANE Select); coding-DNA position 1106, A replaced by G.
Protein change: p.Asp369Gly; replaces aspartic acid 369 with glycine.
Molecular consequence: missense variant. On other transcripts: non-coding transcript variant (1).
Genome position (GRCh38, 1-based): chr16:75,656,517, A>G. VCF-style: chr16-75656517-A-G. GRCh37 (hg19) VCF-style: chr16-75690415-A-G.
Other names: short protein forms D369G.
Identifiers: ClinVar variation 1793691 (VCV001793691.2), dbSNP rs934252977, ClinGen allele CA284340240.